The following is an entry in ClinVar:

ClinVar aggregate classification (germline): Uncertain significance. Review status: criteria provided, multiple submitters, no conflicts (2 of 4 stars). 2 submissions from 2 submitters: Uncertain significance (2). Last evaluated 2024-09-15.

Allele frequency attached by ClinVar (database versions not stated): gnomAD exomes 0.00001 and 0.00004; gnomAD 0.00003 and 0.00004; TOPMed 0.00003.

Submissions (2):

Women's Health and Genetics/Laboratory Corporation of America, LabCorp
Classification: Uncertain significance. Last evaluated: 2024-09-15. Review status: criteria provided, single submitter. Criteria: LabCorp Variant Classification Summary - May 2015. Collection method: clinical testing. Allele origin: germline.

Labcorp Genetics (formerly Invitae), Labcorp
Classification: Uncertain significance. Last evaluated: 2021-06-12. Review status: criteria provided, single submitter. Criteria: Invitae Variant Classification Sherloc (09022015). Collection method: clinical testing. Allele origin: germline.
Comment: This sequence change falls in intron 11 of the BMP1 gene. It does not directly change the encoded amino acid sequence of the BMP1 protein. It affects a nucleotide within the consensus splice site of the intron. This variant is not present in population databases (ExAC no frequency). This variant has not been reported in the literature in individuals with BMP1-related conditions. Nucleotide substitutions within the consensus splice site are a relatively common cause of aberrant splicing (PMID: 17576681, 9536098). Algorithms developed to predict the effect of sequence changes on RNA splicing suggest that this variant is not likely to affect RNA splicing, but this prediction has not been confirmed by published transcriptional studies. In summary, the available evidence is currently insufficient to determine the role of this variant in disease. Therefore, it has been classified as a Variant of Uncertain Significance.

Literature cited by the submitters: PubMed 17576681 (cited by Labcorp Genetics (formerly Invitae), Labcorp); PubMed 9536098 (cited by Labcorp Genetics (formerly Invitae), Labcorp).

NM_006129.5(BMP1):c.1443+6T>C

Genes: BMP1 (bone morphogenetic protein 1; plus strand), LOC113788269 (BRD4-independent group 4 enhancer GRCh37_chr8:22052064-22053263; plus strand). Cytogenetic location: 8p21.3.
Variant type: single nucleotide variant.
Coding change: c.1443+6T>C on transcript NM_006129.5 (MANE Select); 6 bases into the intron after coding-DNA position 1443, T replaced by C.
Molecular consequence: intron variant.
Genome position (GRCh38, 1-based): chr8:22,194,596, T>C. VCF-style: chr8-22194596-T-C. GRCh37 (hg19) VCF-style: chr8-22052109-T-C.
Other names: c.1443+6T>C (NM_001199.4).
Identifiers: ClinVar variation 1505834 (VCV001505834.4), dbSNP rs761601262, ClinGen allele CA173465595.